The following is an entry in ClinVar:

ClinVar aggregate classification (germline): Conflicting classifications of pathogenicity. Review status: criteria provided, conflicting classifications (1 of 4 stars). 2 submissions from 2 submitters: Uncertain significance (1); Likely benign (1). Last evaluated 2025-02-12.

Conditions:
Nemaline myopathy 2 (NEM2). Also called: Nemaline myopathy 2, autosomal recessive. Identifiers: MedGen C1850569, MONDO:0009725, OMIM 256030.

Allele frequency attached by ClinVar (database versions not stated): TOPMed below 0.00001; gnomAD exomes 0.00001 and 0.00003; ExAC 0.00003; gnomAD 0.00004.
gnomAD v4.1: 27 of 1,613,698 alleles (0.0017%); highest among the groups gnomAD compares: Non-Finnish European, 0.00025%; no homozygotes.

Submissions (2):

GeneDx
Classification: Uncertain significance. Last evaluated: 2025-02-12. Review status: criteria provided, single submitter. Criteria: GeneDx Variant Classification Process June 2021. Collection method: clinical testing. Allele origin: germline. Affected: yes.
Comment: In silico analysis indicates that this missense variant does not alter protein structure/function; Has not been previously published as pathogenic or benign to our knowledge

Labcorp Genetics (formerly Invitae), Labcorp
Classification: Likely benign for Nemaline myopathy 2. Last evaluated: 2024-01-17. Review status: criteria provided, single submitter. Criteria: Invitae Variant Classification Sherloc (09022015). Collection method: clinical testing. Allele origin: germline.

NM_001164508.2(NEB):c.1602G>C (p.Lys534Asn)

Gene: NEB (nebulin; minus strand). Cytogenetic location: 2q23.3.
Variant type: single nucleotide variant.
Coding change: c.1602G>C on transcript NM_001164508.2 (MANE Select); coding-DNA position 1602, G replaced by C.
Protein change: p.Lys534Asn; replaces lysine 534 with asparagine.
Molecular consequence: missense variant.
Genome position (GRCh38, 1-based): chr2:151,695,650, C>G on the plus strand (G>C on the coding strand, the complement: NEB is on the minus strand). VCF-style: chr2-151695650-C-G. GRCh37 (hg19) VCF-style: chr2-152552164-C-G.
Other names: c.1602G>C, p.Lys534Asn (NM_001164507.2, NM_001271208.2, NM_004543.5); c.1602G>C (NM_001271208.1); short protein forms K534N.
Identifiers: ClinVar variation 1041623 (VCV001041623.9), dbSNP rs777148695, ClinGen allele CA1911508.
Genomic context (GRCh38, chr2:151,695,650, plus strand): 5'-ATAGGCATTGACTTTGTGCTGGATAAAAGCAGGAGTATCAGGGGGGATATGGCACTTGAA[C>G]TTTTCACTTTCATGTTTTGCTTTGTAATTTAACTATGACAGAGAGAGAACCAATTAGTTC-3'
Protein context (NP_001157980.2, residues 524-544): LNYKAKHESE[Lys534Asn]FKCHIPPDTP